The following is an entry in ClinVar:

ClinVar aggregate classification (germline): Uncertain significance (1 of 4 stars; one submission).

gnomAD v4.1: 1 of 1,614,084 alleles (0.000062%); highest among the groups gnomAD compares: East Asian, 0.0022%; no homozygotes.

Submission:

Labcorp Genetics (formerly Invitae), Labcorp
Classification: Uncertain significance. Last evaluated: 2026-01-19. Review status: criteria provided, single submitter. Criteria: Invitae Variant Classification Sherloc (09022015). Collection method: clinical testing. Allele origin: germline.
Comment: This sequence change replaces alanine, which is neutral and non-polar, with threonine, which is neutral and polar, at codon 3 of the A2ML1 protein (p.Ala3Thr). This variant is not present in population databases (gnomAD no frequency). This variant has not been reported in the literature in individuals affected with A2ML1-related conditions. An algorithm developed to predict the effect of missense changes on protein structure and function outputs the following: PolyPhen-2: "Benign". The threonine amino acid residue is found in multiple mammalian species, which suggests that this missense change does not adversely affect protein function. In summary, the available evidence is currently insufficient to determine the role of this variant in disease. Therefore, it has been classified as a Variant of Uncertain Significance.

NM_144670.6(A2ML1):c.7G>A (p.Ala3Thr)

Genes: A2ML1 (alpha-2-macroglobulin like 1; plus strand), A2ML1-AS1 (A2ML1 antisense RNA 1; minus strand). Cytogenetic location: 12p13.31.
Variant type: single nucleotide variant.
Coding change: c.7G>A on transcript NM_144670.6 (MANE Select); coding-DNA position 7, G replaced by A.
Protein change: p.Ala3Thr; replaces alanine 3 with threonine.
Molecular consequence: missense variant.
Genome position (GRCh38, 1-based): chr12:8,822,658, G>A. VCF-style: chr12-8822658-G-A. GRCh37 (hg19) VCF-style: chr12-8975254-G-A.
Other names: short protein forms A3T.
Identifiers: ClinVar variation 4751073 (VCV004751073.1).